The following is an entry in ClinVar:

ClinVar aggregate classification (germline): Uncertain significance (1 of 4 stars; one submission).

Conditions:
Familial cancer of breast. Also called: BREAST CANCER, FAMILIAL; Hereditary breast cancer; hereditary breast carcinoma. Identifiers: Orphanet 227535, MedGen C0346153, MONDO:0016419, OMIM 114480. Disease mechanism: loss of function.

gnomAD v4.1: 9 of 1,596,170 alleles (0.00056%); highest among the groups gnomAD compares: African/African-American, 0.0013%; no homozygotes.

Submission:

Laboratorio de Genetica e Diagnostico Molecular, Hospital Israelita Albert Einstein
Classification: Uncertain significance for Familial cancer of breast. Last evaluated: 2024-05-17. Review status: criteria provided, single submitter. Criteria: ACMG Guidelines, 2015. Collection method: clinical testing. Allele origin: germline. Affected: yes.
Comment: ACMG classification criteria: PM2 supporting, BP4 supporting

NM_001142556.2(HMMR):c.846A>G (p.Ile282Met)

Gene: HMMR (hyaluronan mediated motility receptor; plus strand). Cytogenetic location: 5q34.
Variant type: single nucleotide variant.
Coding change: c.846A>G on transcript NM_001142556.2 (MANE Select); coding-DNA position 846, A replaced by G.
Protein change: p.Ile282Met; replaces isoleucine 282 with methionine.
Molecular consequence: missense variant.
Genome position (GRCh38, 1-based): chr5:163,473,499, A>G. VCF-style: chr5-163473499-A-G. GRCh37 (hg19) VCF-style: chr5-162900505-A-G.
Other names: c.585A>G, p.Ile195Met (NM_001142557.2); c.843A>G, p.Ile281Met (NM_012484.3); c.798A>G, p.Ile266Met (NM_012485.3); short protein forms I195M, I266M, I281M, I282M.
Identifiers: ClinVar variation 4056761 (VCV004056761.1).